The following is an entry in ClinVar:

NM_000018.4(ACADVL):c.1269+1del

Gene: ACADVL (acyl-CoA dehydrogenase very long chain; plus strand). Cytogenetic location: 17p13.1.
Variant type: Deletion.
Coding change: c.1269+1del on transcript NM_000018.4 (MANE Select); the canonical splice donor site of the intron after coding-DNA position 1269, one base deleted (G; older notation c.1269+1delG).
Molecular consequence: splice donor variant.
Genome position (GRCh38, 1-based): chr17:7,223,731, G deleted; the last of 2 consecutive G bases (chr17:7,223,730-7,223,731); deleting either gives the same sequence. VCF-style (leftmost placement, unchanged base first): chr17-7223729-CG-C. GRCh37 (hg19) VCF-style: chr17-7127048-CG-C.
Other names: c.1338+1del (NM_001270447.2); c.1041+1del (NM_001270448.2); c.1203+1del (NM_001033859.3).
Identifiers: ClinVar variation 971356 (VCV000971356.9), dbSNP rs2071340733, ClinGen allele CA1139665149.

ClinVar aggregate classification (germline): Uncertain significance. Review status: reviewed by expert panel (3 of 4 stars). 2 submissions from 2 submitters: Uncertain significance (1). 1 of the submissions does not count toward it. Last evaluated 2022-12-14.

Conditions:
Very long chain acyl-CoA dehydrogenase deficiency (ACADVLD). Also called: Very Long-Chain Acyl-Coenzyme A Dehydrogenase Deficiency; VLCAD Deficiency. Identifiers: Orphanet 26793, MedGen C3887523, MONDO:0008723, OMIM 201475.

Submissions (2):

ClinGen ACADVL Variant Curation Expert Panel, ClinGen
Classification: Uncertain significance for Very long chain acyl-CoA dehydrogenase deficiency. Last evaluated: 2022-12-14. Review status: reviewed by expert panel. Criteria: clingen acadvl acmg specifications v1. Collection method: curation. Allele origin: germline. Inheritance: Autosomal recessive inheritance.
Comment: The c.1269+1del variant in ACADVL occurs within the canonical splice donor/acceptor site (+/- 1,2) of intron 12. It is predicted to cause skipping of biologically-relevant-exon 12/20, resulting in an in-frame deletion (removes amino acids 395-423) that is predicted to escape nonsense mediated decay and remove <10% of the protein (PVS1_Moderate). To our knowledge, this variant has not been reported in an individual affected with very long chain acyl CoA dehydrogenase (VLCAD) deficiency. To our knowledge, no functional studies have been performed on this variant. This variant is absent from gnomAD v2.1.1 (PM2_Supporting). In summary, this variant meets the criteria to be classified as a variant of uncertain significance for autosomal recessive VLCAD deficiency based on the ACMG/AMP criteria applied, as specified by the ClinGen ACADVL Variant Curation Expert Panel: PVS1_Moderate, PM2_Supporting (VCEP specifications version1; approved November 8, 2021)

Labcorp Genetics (formerly Invitae), Labcorp
Classification: Pathogenic for Very long chain acyl-CoA dehydrogenase deficiency. Last evaluated: 2019-11-14. Review status: criteria provided, single submitter. Criteria: Invitae Variant Classification Sherloc (09022015). Collection method: clinical testing. Allele origin: germline. Not counted in ClinVar's aggregate classification.
Comment: For these reasons, this variant has been classified as Pathogenic. Loss-of-function variants in ACADVL are known to be pathogenic (PMID: 9973285, 11590124). This variant has not been reported in the literature in individuals with ACADVL-related conditions. This variant is not present in population databases (ExAC no frequency). This sequence change creates a premature translational stop signal (p.Glu424Argfs*6) in the ACADVL gene. It is expected to result in an absent or disrupted protein product.

Literature cited by the submitters: PubMed 9973285 (cited by Labcorp Genetics (formerly Invitae), Labcorp); PubMed 11590124 (cited by Labcorp Genetics (formerly Invitae), Labcorp).